The following is an entry in ClinVar:

ClinVar aggregate classification (germline): Uncertain significance (1 of 4 stars; one submission).

Submission:

GeneDx
Classification: Uncertain significance. Last evaluated: 2026-06-15. Review status: criteria provided, single submitter. Criteria: GeneDx Variant Classification Process June 2021. Collection method: clinical testing. Allele origin: germline.
Comment: Not observed at significant frequency in large population cohorts (gnomAD); In silico analysis supports that this missense variant has a deleterious effect on protein structure/function; Has not been previously published as pathogenic or benign to our knowledge

NM_020117.11(LARS1):c.3218A>G (p.Asn1073Ser)

Gene: LARS1 (leucyl-tRNA synthetase 1; minus strand). Cytogenetic location: 5q32.
Variant type: single nucleotide variant.
Coding change: c.3218A>G on transcript NM_020117.11 (MANE Select); coding-DNA position 3218, A replaced by G.
Protein change: p.Asn1073Ser; replaces asparagine 1073 with serine.
Molecular consequence: missense variant.
Genome position (GRCh38, 1-based): chr5:146,120,478, T>C on the plus strand (A>G on the coding strand, the complement: LARS1 is on the minus strand). VCF-style: chr5-146120478-T-C. GRCh37 (hg19) VCF-style: chr5-145500041-T-C.
Other names: c.3080A>G, p.Asn1027Ser (NM_001317964.2); c.3056A>G, p.Asn1019Ser (NM_001317965.2); c.3137A>G, p.Asn1046Ser (NM_016460.4); short protein forms N1019S, N1027S, N1046S, N1073S.
Identifiers: ClinVar variation 3342961 (VCV003342961.2).
Genomic context (GRCh38, chr5:146,120,478, plus strand): 5'-CAGTTATCTCCTTGCCTGATTTCAATTTTGGTTGAGAAGTGGCCATTGGATGGCTGGGGA[T>C]TCACCAGAGAAACGGACACACCAGGCTAGGAAAACAACAAGAAAATGATTGTTTAACTTG-3'
Protein context (NP_064502.9, residues 1063-1083): IEPGVSVSLV[Asn1073Ser]PQPSNGHFST